The following is an entry in ClinVar:

ClinVar aggregate classification (germline): Uncertain significance. Review status: criteria provided, multiple submitters, no conflicts (2 of 4 stars). 2 submissions from 2 submitters: Uncertain significance (2). Last evaluated 2025-08-07.

Submissions (2):

Ambry Genetics
Classification: Uncertain significance. Last evaluated: 2025-08-07. Review status: criteria provided, single submitter. Criteria: Ambry Variant Classification Scheme 2023. Collection method: clinical testing. Allele origin: germline.
Comment: The p.R81W variant (also known as c.241A>T), located in coding exon 3 of the RINT1 gene, results from an A to T substitution at nucleotide position 241. The arginine at codon 81 is replaced by tryptophan, an amino acid with dissimilar properties. This amino acid position is conserved. In addition, this alteration is predicted to be tolerated by in silico analysis. Since supporting evidence is limited at this time, the clinical significance of this alteration remains unclear.

Labcorp Genetics (formerly Invitae), Labcorp
Classification: Uncertain significance. Last evaluated: 2023-10-10. Review status: criteria provided, single submitter. Criteria: Invitae Variant Classification Sherloc (09022015). Collection method: clinical testing. Allele origin: germline.
Comment: This sequence change replaces arginine, which is basic and polar, with tryptophan, which is neutral and slightly polar, at codon 81 of the RINT1 protein (p.Arg81Trp). This variant is not present in population databases (gnomAD no frequency). This variant has not been reported in the literature in individuals affected with RINT1-related conditions. ClinVar contains an entry for this variant (Variation ID: 2563348). An algorithm developed to predict the effect of missense changes on protein structure and function (PolyPhen-2) suggests that this variant is likely to be tolerated. In summary, the available evidence is currently insufficient to determine the role of this variant in disease. Therefore, it has been classified as a Variant of Uncertain Significance.

NM_021930.6(RINT1):c.241A>T (p.Arg81Trp)

Gene: RINT1 (RAD50 interactor 1; plus strand). Cytogenetic location: 7q22.3.
Variant type: single nucleotide variant.
Coding change: c.241A>T on transcript NM_021930.6 (MANE Select); coding-DNA position 241, A replaced by T.
Protein change: p.Arg81Trp; replaces arginine 81 with tryptophan.
Molecular consequence: missense variant. On other transcripts: 5 prime UTR variant (3), non-coding transcript variant (1), intron variant (1).
Genome position (GRCh38, 1-based): chr7:105,536,717, A>T. VCF-style: chr7-105536717-A-T. GRCh37 (hg19) VCF-style: chr7-105177164-A-T.
Other names: c.-779A>T (NM_001346600.2); c.-682A>T (NM_001346601.2); c.-302A>T (NM_001346603.2); c.39+105A>T (NM_001346599.2); short protein forms R81W.
Identifiers: ClinVar variation 2563348 (VCV002563348.6), dbSNP rs2485100199, ClinGen allele CA368800658.